The following is an entry in ClinVar:

ClinVar aggregate classification (germline): Uncertain significance (1 of 4 stars; one submission).

Submission:

Labcorp Genetics (formerly Invitae), Labcorp
Classification: Uncertain significance. Last evaluated: 2026-01-02. Review status: criteria provided, single submitter. Criteria: Invitae Variant Classification Sherloc (09022015). Collection method: clinical testing. Allele origin: germline.
Comment: This sequence change replaces cysteine, which is neutral and slightly polar, with serine, which is neutral and polar, at codon 178 of the FLNB protein (p.Cys178Ser). This variant is not present in population databases (gnomAD no frequency). This missense change has been observed in individual(s) with clinical features of Larsen syndrome (internal data). ClinVar contains an entry for this variant (Variation ID: 1386050). Invitae Evidence Modeling of protein sequence and biophysical properties (such as structural, functional, and spatial information, amino acid conservation, physicochemical variation, residue mobility, and thermodynamic stability) indicates that this missense variant is not expected to disrupt FLNB protein function with a negative predictive value of 95%. In summary, the available evidence is currently insufficient to determine the role of this variant in disease. Therefore, it has been classified as a Variant of Uncertain Significance.

NM_001457.4(FLNB):c.533G>C (p.Cys178Ser)

Gene: FLNB (filamin B; plus strand). Cytogenetic location: 3p14.3.
Variant type: single nucleotide variant.
Coding change: c.533G>C on transcript NM_001457.4 (MANE Select); coding-DNA position 533, G replaced by C.
Protein change: p.Cys178Ser; replaces cysteine 178 with serine.
Molecular consequence: missense variant.
Genome position (GRCh38, 1-based): chr3:58,077,286, G>C. VCF-style: chr3-58077286-G-C. GRCh37 (hg19) VCF-style: chr3-58063013-G-C.
Other names: c.533G>C, p.Cys178Ser (NM_001164317.2, NM_001164318.2, NM_001164319.2); short protein forms C178S.
Identifiers: ClinVar variation 1386050 (VCV001386050.6), dbSNP rs2106947006, ClinGen allele CA353333637.